The following is an entry in ClinVar:

ClinVar aggregate classification (germline): Pathogenic (1 of 4 stars; one submission).

Conditions:
CHARGE syndrome (CHARGE). Also called: Hittner Hirsch Kreh syndrome; Coloboma, heart anomaly, choanal atresia, retardation, genital and ear anomalies; CHARGE association; Hall-Hittner syndrome; CHARGE ASSOCIATION--COLOBOMA, HEART ANOMALY, CHOANAL ATRESIA, RETARDATION, GENITAL AND EAR ANOMALIES. Identifiers: Orphanet 138, MedGen C0265354, MONDO:0008965.

Submission:

Labcorp Genetics (formerly Invitae), Labcorp
Classification: Pathogenic for CHARGE association. Last evaluated: 2019-11-13. Review status: criteria provided, single submitter. Criteria: Invitae Variant Classification Sherloc (09022015). Collection method: clinical testing. Allele origin: germline.
Comment: This sequence change creates a premature translational stop signal (p.Val1978Tyrfs*11) in the CHD7 gene. It is expected to result in an absent or disrupted protein product. This variant is not present in population databases (ExAC no frequency). This variant has been observed in individual(s) with CHARGE syndrome (PMID: 27832265). Loss-of-function variants in CHD7 are known to be pathogenic (PMID: 22461308, 25077900). For these reasons, this variant has been classified as Pathogenic.

Literature cited by the submitters: PubMed 27832265.

NM_017780.4(CHD7):c.5932del (p.Val1978fs)

Gene: CHD7 (chromodomain helicase DNA binding protein 7; plus strand). Cytogenetic location: 8q12.2.
Variant type: Deletion.
Coding change: c.5932del on transcript NM_017780.4 (MANE Select); coding-DNA position 5932, one base deleted (G; older notation c.5932delG).
Protein change: p.Val1978fs; shifts the reading frame from valine 1978.
Molecular consequence: frameshift variant. On other transcripts: intron variant (1).
Genome position (GRCh38, 1-based): chr8:60,852,535, G deleted; the last of 2 consecutive G bases (chr8:60,852,534-60,852,535); deleting either gives the same sequence. VCF-style (leftmost placement, unchanged base first): chr8-60852533-TG-T. GRCh37 (hg19) VCF-style: chr8-61765092-TG-T.
Other names: c.1717-9694del (NM_001316690.1); short protein forms V1978fs.
Identifiers: ClinVar variation 970243 (VCV000970243.1), dbSNP rs1805501026, ClinGen allele CA1139660553.